The following is an entry in ClinVar:

ClinVar aggregate classification (germline): Likely benign (1 of 4 stars; one submission).

Submission:

CeGaT Center for Human Genetics Tuebingen
Classification: Likely benign. Last evaluated: 2022-10-01. Review status: criteria provided, single submitter. Criteria: CeGaT Center For Human Genetics Tuebingen Variant Classification Criteria Version 2. Collection method: clinical testing. Allele origin: germline. Affected: yes. Observed: 1 variant allele.
Comment: CIC: PM2:Supporting, BP4, BP7

NM_001386298.1(CIC):c.7110C>T (p.Ser2370=)

Gene: CIC (capicua transcriptional repressor; plus strand). Cytogenetic location: 19q13.2.
Variant type: single nucleotide variant.
Coding change: c.7110C>T on transcript NM_001386298.1 (MANE Select); coding-DNA position 7110, C replaced by T.
Protein change: p.Ser2370=; no amino-acid change (serine 2370 retained).
Molecular consequence: synonymous variant.
Genome position (GRCh38, 1-based): chr19:42,294,659, C>T. VCF-style: chr19-42294659-C-T. GRCh37 (hg19) VCF-style: chr19-42798811-C-T.
Other names: c.7110C>T, p.Ser2370= (NM_001304815.2); c.7107C>T, p.Ser2369= (NM_001379480.1, NM_001379482.1, NM_001379483.1); c.4377C>T, p.Ser1459= (NM_001379484.1); c.4374C>T, p.Ser1458= (NM_001379485.1); c.4383C>T, p.Ser1461= (NM_015125.5).
Identifiers: ClinVar variation 2650017 (VCV002650017.24), dbSNP rs2147350494, ClinGen allele CA507705598.